The following is an entry in ClinVar:

NM_000321.3(RB1):c.773A>G (p.Asn258Ser)

Gene: RB1 (RB transcriptional corepressor 1; plus strand). Cytogenetic location: 13q14.2.
Variant type: single nucleotide variant.
Coding change: c.773A>G on transcript NM_000321.3 (MANE Select); coding-DNA position 773, A replaced by G.
Protein change: p.Asn258Ser; replaces asparagine 258 with serine.
Molecular consequence: missense variant.
Genome position (GRCh38, 1-based): chr13:48,362,869, A>G. VCF-style: chr13-48362869-A-G. GRCh37 (hg19) VCF-style: chr13-48937005-A-G.
Other names: c.773A>G, p.Asn258Ser (NM_001407165.1, NM_001407166.1); short protein forms N258S.
Identifiers: ClinVar variation 2199860 (VCV002199860.5), dbSNP rs1952655871, ClinGen allele CA388159389.

ClinVar aggregate classification (germline): Uncertain significance. Review status: criteria provided, multiple submitters, no conflicts (2 of 4 stars). 2 submissions from 2 submitters: Uncertain significance (2). Last evaluated 2023-12-13.

Conditions:
Hereditary cancer-predisposing syndrome. Also called: Tumor predisposition; Hereditary neoplastic syndrome; Neoplastic Syndromes, Hereditary; Hereditary Cancer Syndrome. Identifiers: Orphanet 140162, MedGen C0027672, MeSH D009386, MONDO:0015356.
Retinoblastoma (RB1). Also called: RETINOBLASTOMA, SOMATIC. Identifiers: Orphanet 790, MedGen C0035335, MeSH D012175, MONDO:0008380, OMIM 180200, HP:0009919. Disease mechanism: loss of function. Inheritance: Both sporadic and heritable forms are tested..

Submissions (2):

Ambry Genetics
Classification: Uncertain significance for Hereditary cancer-predisposing syndrome. Last evaluated: 2023-12-13. Review status: criteria provided, single submitter. Criteria: Ambry Variant Classification Scheme 2023. Collection method: clinical testing. Allele origin: germline.
Comment: The p.N258S variant (also known as c.773A>G), located in coding exon 8 of the RB1 gene, results from an A to G substitution at nucleotide position 773. The asparagine at codon 258 is replaced by serine, an amino acid with highly similar properties. This amino acid position is highly conserved in available vertebrate species. In addition, this alteration is predicted to be tolerated by in silico analysis. Since supporting evidence is limited at this time, the clinical significance of this alteration remains unclear.

Labcorp Genetics (formerly Invitae), Labcorp
Classification: Uncertain significance for Retinoblastoma. Last evaluated: 2022-08-18. Review status: criteria provided, single submitter. Criteria: Invitae Variant Classification Sherloc (09022015). Collection method: clinical testing. Allele origin: germline.
Comment: In summary, the available evidence is currently insufficient to determine the role of this variant in disease. Therefore, it has been classified as a Variant of Uncertain Significance. Algorithms developed to predict the effect of missense changes on protein structure and function (SIFT, PolyPhen-2, Align-GVGD) all suggest that this variant is likely to be tolerated. This variant has not been reported in the literature in individuals affected with RB1-related conditions. This variant is not present in population databases (gnomAD no frequency). This sequence change replaces asparagine, which is neutral and polar, with serine, which is neutral and polar, at codon 258 of the RB1 protein (p.Asn258Ser).